The following is an entry in ClinVar:

ClinVar aggregate classification (germline): Uncertain significance (1 of 4 stars; one submission).

Conditions:
Inborn genetic diseases. Identifiers: MedGen C0950123, MeSH D030342.

Submission:

Ambry Genetics
Classification: Uncertain significance for Inborn genetic diseases. Last evaluated: 2023-02-23. Review status: criteria provided, single submitter. Criteria: Ambry Variant Classification Scheme 2023. Collection method: clinical testing. Allele origin: germline.
Comment: The p.P433S variant (also known as c.1297C>T), located in coding exon 10 of the EPAS1 gene, results from a C to T substitution at nucleotide position 1297. The proline at codon 433 is replaced by serine, an amino acid with similar properties. This amino acid position is conserved. In addition, this alteration is predicted to be tolerated by in silico analysis. Since supporting evidence is limited at this time, the clinical significance of this alteration remains unclear.

NM_001430.5(EPAS1):c.1297C>T (p.Pro433Ser)

Gene: EPAS1 (endothelial PAS domain protein 1; plus strand). Cytogenetic location: 2p21.
Variant type: single nucleotide variant.
Coding change: c.1297C>T on transcript NM_001430.5 (MANE Select); coding-DNA position 1297, C replaced by T.
Protein change: p.Pro433Ser; replaces proline 433 with serine.
Molecular consequence: missense variant.
Genome position (GRCh38, 1-based): chr2:46,377,941, C>T. VCF-style: chr2-46377941-C-T. GRCh37 (hg19) VCF-style: chr2-46605080-C-T.
Other names: short protein forms P433S.
Identifiers: ClinVar variation 2497566 (VCV002497566.2), dbSNP rs1192917270, ClinGen allele CA346703730.